The following is an entry in ClinVar:

ClinVar aggregate classification (germline): Likely pathogenic (1 of 4 stars; one submission).

Conditions:
Cone-rod dystrophy 2 (CORD2). Also called: CONE-ROD RETINAL DYSTROPHY; Cone-rod retinal dystrophy 2. Identifiers: Orphanet 1872, MedGen C3489532, MONDO:0007362, OMIM 120970.

Submission:

Institute of Human Genetics, University of Leipzig Medical Center
Classification: Likely pathogenic for Cone-rod dystrophy 2. Last evaluated: 2024-10-01. Review status: criteria provided, single submitter. Criteria: ACMG Guidelines, 2015. Collection method: clinical testing. Allele origin: unknown. Affected: yes.
Comment: Criteria applied: PVS1_STR,PM2

NM_000554.6(CRX):c.573T>G (p.Tyr191Ter)

Gene: CRX (cone-rod homeobox; plus strand). Cytogenetic location: 19q13.33.
Variant type: single nucleotide variant.
Coding change: c.573T>G on transcript NM_000554.6 (MANE Select); coding-DNA position 573, T replaced by G.
Protein change: p.Tyr191Ter; replaces tyrosine 191 with a stop codon.
Molecular consequence: nonsense.
Genome position (GRCh38, 1-based): chr19:47,839,640, T>G. VCF-style: chr19-47839640-T-G. GRCh37 (hg19) VCF-style: chr19-48342897-T-G.
Other names: short protein forms Y191*.
Identifiers: ClinVar variation 3376154 (VCV003376154.3).